The following is an entry in ClinVar:

NM_201384.3(PLEC):c.4396C>T (p.Arg1466Cys)

Gene: PLEC (plectin; minus strand). Cytogenetic location: 8q24.3.
Variant type: single nucleotide variant.
Coding change: c.4396C>T on transcript NM_201384.3 (MANE Select); coding-DNA position 4396, C replaced by T.
Protein change: p.Arg1466Cys; replaces arginine 1466 with cysteine.
Molecular consequence: missense variant.
Genome position (GRCh38, 1-based): chr8:143,925,533, G>A on the plus strand (C>T on the coding strand, the complement: PLEC is on the minus strand). VCF-style: chr8-143925533-G-A. GRCh37 (hg19) VCF-style: chr8-144999701-G-A.
Other names: c.4477C>T, p.Arg1493Cys (NM_000445.5); c.4354C>T, p.Arg1452Cys (NM_201378.4); c.4330C>T, p.Arg1444Cys (NM_201379.3); c.4807C>T, p.Arg1603Cys (NM_201380.4); c.4300C>T, p.Arg1434Cys (NM_201381.3); c.4396C>T, p.Arg1466Cys (NM_201382.4); c.4408C>T, p.Arg1470Cys (NM_201383.3); short protein forms R1434C, R1444C, R1452C, R1466C, R1470C, R1493C, R1603C.
Identifiers: ClinVar variation 196739 (VCV000196739.10), dbSNP rs782015718, ClinGen allele CA243903.

ClinVar aggregate classification (germline): Uncertain significance. Review status: criteria provided, multiple submitters, no conflicts (2 of 4 stars). 2 submissions from 2 submitters: Uncertain significance (2). Last evaluated 2025-03-05.

Conditions:
Autosomal recessive limb-girdle muscular dystrophy type 2Q (LGMDR17). Also called: MUSCULAR DYSTROPHY, LIMB-GIRDLE, AUTOSOMAL RECESSIVE 17. Identifiers: Orphanet 254361, MedGen C3150989, MONDO:0013390, OMIM 613723.
Epidermolysis bullosa simplex 5B, with muscular dystrophy (EBS5B). Also called: EPIDERMOLYSIS BULLOSA SIMPLEX AND LIMB-GIRDLE MUSCULAR DYSTROPHY; Epidermolysis bullosa simplex with muscular dystrophy. Identifiers: Orphanet 257, MedGen C2931072, MONDO:0009181, OMIM 226670.
Epidermolysis bullosa simplex, Ogna type (EBS5A). Also called: EPIDERMOLYSIS BULLOSA SIMPLEX 5A, OGNA TYPE; Pidermolysis bullosa simplex 5A, Ogna type. Identifiers: Orphanet 79401, MedGen C0432317, MONDO:0007555, OMIM 131950.
Epidermolysis bullosa simplex 5C, with pyloric atresia (EBS5C). Also called: PLEC-Related Epidermolysis Bullosa with Pyloric Atresia; Epidermolysis bullosa simplex with pyloric atresia; PLEC1-Related Epidermolysis Bullosa with Pyloric Atresia. Identifiers: Orphanet 158684, MedGen C2677349, MONDO:0012807, OMIM 612138.
Epidermolysis bullosa simplex with nail dystrophy (EBS5D). Identifiers: MedGen C4225309, MONDO:0014661, OMIM 616487.

Allele frequency attached by ClinVar (database versions not stated): gnomAD exomes below 0.00001 and 0.00001; TOPMed 0.00001; ExAC 0.00002.
gnomAD v4.1: 15 of 1,595,050 alleles (0.00094%); highest among the groups gnomAD compares: Middle Eastern, 0.017%; no homozygotes.

Submissions (2):

Labcorp Genetics (formerly Invitae), Labcorp
Classification: Uncertain significance for Autosomal recessive limb-girdle muscular dystrophy type 2Q; Epidermolysis bullosa simplex, Ogna type; Epidermolysis bullosa simplex with nail dystrophy; Epidermolysis bullosa simplex 5C, with pyloric atresia; Epidermolysis bullosa simplex 5B, with muscular dystrophy. Last evaluated: 2025-03-05. Review status: criteria provided, single submitter. Criteria: Invitae Variant Classification Sherloc (09022015). Collection method: clinical testing. Allele origin: germline.
Comment: This sequence change replaces arginine, which is basic and polar, with cysteine, which is neutral and slightly polar, at codon 1493 of the PLEC protein (p.Arg1493Cys). The frequency data for this variant in the population databases is considered unreliable, as metrics indicate poor data quality at this position in the gnomAD database. This variant has not been reported in the literature in individuals affected with PLEC-related conditions. ClinVar contains an entry for this variant (Variation ID: 196739). Invitae Evidence Modeling of protein sequence and biophysical properties (such as structural, functional, and spatial information, amino acid conservation, physicochemical variation, residue mobility, and thermodynamic stability) has been performed for this missense variant. However, the output from this modeling did not meet the statistical confidence thresholds required to predict the impact of this variant on PLEC protein function. In summary, the available evidence is currently insufficient to determine the role of this variant in disease. Therefore, it has been classified as a Variant of Uncertain Significance.

Eurofins Ntd Llc (ga)
Classification: Uncertain significance. Last evaluated: 2015-06-02. Review status: criteria provided, single submitter. Criteria: EGL Classification Definitions 2015. Collection method: clinical testing. Allele origin: germline. Observed: 1 variant allele, 1 heterozygote.